The following is an entry in ClinVar:

ClinVar aggregate classification (germline): Likely benign. Review status: criteria provided, multiple submitters, no conflicts (2 of 4 stars). 2 submissions from 2 submitters: Likely benign (2). Last evaluated 2024-09-15.

Conditions:
Hereditary breast ovarian cancer syndrome. Also called: Hereditary breast and ovarian cancer syndrome (HBOC); Hereditary breast and ovarian cancer; BRCA1- and BRCA2-Associated Hereditary Breast and Ovarian Cancer; Breast and ovarian cancer; Hereditary breast and ovarian cancer syndrome; Hereditary breast and/or ovarian cancer syndrome. Identifiers: Orphanet 145, MedGen C0677776, MeSH D061325, MONDO:0003582. Disease mechanism: loss of function.

Submissions (3):

Labcorp Genetics (formerly Invitae), Labcorp
Classification: Likely benign for Hereditary breast ovarian cancer syndrome. Last evaluated: 2024-09-15. Review status: criteria provided, single submitter. Criteria: Invitae Variant Classification Sherloc (09022015). Collection method: clinical testing. Allele origin: germline.

Women's Health and Genetics/Laboratory Corporation of America, LabCorp
Classification: Likely benign. Last evaluated: 2018-01-19. Review status: criteria provided, single submitter. Criteria: LabCorp Variant Classification Summary - May 2015. Collection method: clinical testing. Allele origin: germline.
Comment: Variant summary: The c.5196T>C (p.His1732=) in BRCA1 gene is a synonymous change that involves a non-conserved nucleotide. 5/5 programs in Alamut predict that this variant does not affect normal splicing. ESE finder predicts that this variant may generate a novel binding site for SF2/ASF, however no functional studies supporting these predictions were published at the time of evaluation. The variant is absent from control datasets of ExAC and gnomAD (~246260 chromosomes tested). Taking together, the variant was classified as Likely Benign.

Brotman Baty Institute, University of Washington
No classification provided (evidence only). Condition: Breast-ovarian cancer, familial 1. Review status: no classification provided. Collection method: in vitro. Allele origin: not applicable. Functional consequence: functionally_normal. Not counted in ClinVar's aggregate classification.
ClinVar note: "not provided" was previously submitted as the classification for the variant. However, the classification appeared to be based only on an observation of functional data so it was converted to no classification on 2025-07-30.

NM_007294.4(BRCA1):c.5196T>C (p.His1732=)

Gene: BRCA1 (BRCA1 DNA repair associated; minus strand). Cytogenetic location: 17q21.31.
Variant type: single nucleotide variant.
Coding change: c.5196T>C on transcript NM_007294.4 (MANE Select); coding-DNA position 5196, T replaced by C.
Protein change: p.His1732=; no amino-acid change (histidine 1732 retained).
Molecular consequence: synonymous variant.
Genome position (GRCh38, 1-based): chr17:43,057,133, A>G on the plus strand (T>C on the coding strand, the complement: BRCA1 is on the minus strand). VCF-style: chr17-43057133-A-G. GRCh37 (hg19) VCF-style: chr17-41209150-A-G.
Other names: c.4983T>C, p.His1661= (NM_001407571.1, NM_001407894.1, NM_001407895.1 and 12 more transcripts); c.5262T>C, p.His1754= (NM_001407581.1, NM_001407582.1); c.5259T>C, p.His1753= (NM_001407583.1, NM_001407585.1, NM_001407587.1 and 1 more transcripts); c.5256T>C, p.His1752= (NM_001407590.1, NM_001407591.1); c.5196T>C, p.His1732= (NM_001407593.1, NM_001407594.1, NM_001407596.1 and 7 more transcripts); c.5193T>C, p.His1731= (NM_001407610.1, NM_001407611.1, NM_001407612.1 and 17 more transcripts); c.5190T>C, p.His1730= (NM_001407627.1, NM_001407628.1, NM_001407629.1 and 14 more transcripts); c.5187T>C, p.His1729= (NM_001407644.1, NM_001407645.1); and 72 more.
Identifiers: ClinVar variation 632682 (VCV000632682.12), dbSNP rs1567764670, ClinGen allele CA500144912.